The following is an entry in ClinVar:

NM_000492.4(CFTR):c.4103T>C (p.Leu1368Pro)

Gene: CFTR (CF transmembrane conductance regulator; plus strand). Cytogenetic location: 7q31.2.
Variant type: single nucleotide variant.
Coding change: c.4103T>C on transcript NM_000492.4 (MANE Select); coding-DNA position 4103, T replaced by C.
Protein change: p.Leu1368Pro; replaces leucine 1368 with proline.
Molecular consequence: missense variant.
Genome position (GRCh38, 1-based): chr7:117,664,827, T>C. VCF-style: chr7-117664827-T-C. GRCh37 (hg19) VCF-style: chr7-117304881-T-C.
Other names: short protein forms L1368P.
Identifiers: ClinVar variation 2503105 (VCV002503105.1), dbSNP rs2485181946, ClinGen allele CA368982883.

ClinVar aggregate classification (germline): Uncertain significance (1 of 4 stars; one submission).

Conditions:
Cystic fibrosis (CF). Also called: MUCOVISCIDOSIS. Identifiers: Orphanet 586, MedGen C0010674, MONDO:0009061, OMIM 219700. Disease mechanism: loss of function.

Submission:

Johns Hopkins Genomics, Johns Hopkins University
Classification: Uncertain significance for Cystic fibrosis. Last evaluated: 2023-04-14. Review status: criteria provided, single submitter. Criteria: ACMG Guidelines, 2015. Collection method: clinical testing. Allele origin: germline.
Comment: CFTR c.4103T>C is absent from a large population dataset and has not been reported in ClinVar nor the literature, to our knowledge. Two bioinformatic tools queried predict that this substitution would be damaging and the leucine residue at this position is evolutionarily conserved across all species assessed. We consider the clinical significance of CFTR c.4103T>C to be uncertain at this time.

Literature cited by the submitters: PubMed 16989640.